The following is an entry in ClinVar:

ClinVar aggregate classification (germline): Uncertain significance (1 of 4 stars; one submission).

Conditions:
Meckel-Gruber syndrome. Also called: GRUBER SYNDROME; DYSENCEPHALIA SPLANCHNOCYSTICA; Dysencephalia splachnocystica. Identifiers: Orphanet 564, MedGen C0265215, MONDO:0018921.
Joubert syndrome. Also called: Familial aplasia of the vermis; JOUBERT-BOLTSHAUSER SYNDROME; CEREBELLOPARENCHYMAL DISORDER IV. Identifiers: Orphanet 475, MedGen C5979921, MONDO:0018772.

gnomAD v4.1: 3 of 1,593,592 alleles (0.00019%); highest among the groups gnomAD compares: Admixed American, 0.0033%; no homozygotes.

Submission:

Labcorp Genetics (formerly Invitae), Labcorp
Classification: Uncertain significance for Joubert syndrome; Meckel-Gruber syndrome. Last evaluated: 2025-05-08. Review status: criteria provided, single submitter. Criteria: Invitae Variant Classification Sherloc (09022015). Collection method: clinical testing. Allele origin: germline.
Comment: This sequence change replaces phenylalanine, which is neutral and non-polar, with leucine, which is neutral and non-polar, at codon 895 of the TMEM67 protein (p.Phe895Leu). This variant is present in population databases (no rsID available, gnomAD 0.006%). This variant has not been reported in the literature in individuals affected with TMEM67-related conditions. Invitae Evidence Modeling of protein sequence and biophysical properties (such as structural, functional, and spatial information, amino acid conservation, physicochemical variation, residue mobility, and thermodynamic stability) has been performed for this missense variant. However, the output from this modeling did not meet the statistical confidence thresholds required to predict the impact of this variant on TMEM67 protein function. In summary, the available evidence is currently insufficient to determine the role of this variant in disease. Therefore, it has been classified as a Variant of Uncertain Significance.

NM_153704.6(TMEM67):c.2683T>C (p.Phe895Leu)

Gene: TMEM67 (transmembrane protein 67; plus strand). Cytogenetic location: 8q22.1.
Variant type: single nucleotide variant.
Coding change: c.2683T>C on transcript NM_153704.6 (MANE Select); coding-DNA position 2683, T replaced by C.
Protein change: p.Phe895Leu; replaces phenylalanine 895 with leucine.
Molecular consequence: missense variant. On other transcripts: non-coding transcript variant (1).
Genome position (GRCh38, 1-based): chr8:93,809,806, T>C. VCF-style: chr8-93809806-T-C. GRCh37 (hg19) VCF-style: chr8-94822034-T-C.
Other names: c.2440T>C, p.Phe814Leu (NM_001142301.1); short protein forms F814L, F895L.
Identifiers: ClinVar variation 4789127 (VCV004789127.1).